The following is an entry in ClinVar:

ClinVar aggregate classification (germline): Uncertain significance (1 of 4 stars; one submission).

Allele frequency attached by ClinVar (database versions not stated): gnomAD exomes below 0.00001.
gnomAD v4.1: 1 of 1,614,096 alleles (0.000062%); highest among the groups gnomAD compares: Non-Finnish European, 0.000085%; no homozygotes.

Submission:

Labcorp Genetics (formerly Invitae), Labcorp
Classification: Uncertain significance. Last evaluated: 2022-12-06. Review status: criteria provided, single submitter. Criteria: Invitae Variant Classification Sherloc (09022015). Collection method: clinical testing. Allele origin: germline.
Comment: In summary, the available evidence is currently insufficient to determine the role of this variant in disease. Therefore, it has been classified as a Variant of Uncertain Significance. Advanced modeling of protein sequence and biophysical properties (such as structural, functional, and spatial information, amino acid conservation, physicochemical variation, residue mobility, and thermodynamic stability) performed at Invitae indicates that this missense variant is not expected to disrupt MYH9 protein function. This variant has not been reported in the literature in individuals affected with MYH9-related conditions. This variant is not present in population databases (gnomAD no frequency). This sequence change replaces lysine, which is basic and polar, with glutamic acid, which is acidic and polar, at codon 580 of the MYH9 protein (p.Lys580Glu).

NM_002473.6(MYH9):c.1738A>G (p.Lys580Glu)

Gene: MYH9 (myosin heavy chain 9; minus strand). Cytogenetic location: 22q12.3.
Variant type: single nucleotide variant.
Coding change: c.1738A>G on transcript NM_002473.6 (MANE Select); coding-DNA position 1738, A replaced by G.
Protein change: p.Lys580Glu; replaces lysine 580 with glutamic acid.
Molecular consequence: missense variant.
Genome position (GRCh38, 1-based): chr22:36,309,387, T>C on the plus strand (A>G on the coding strand, the complement: MYH9 is on the minus strand). VCF-style: chr22-36309387-T-C. GRCh37 (hg19) VCF-style: chr22-36705432-T-C.
Other names: short protein forms K580E.
Identifiers: ClinVar variation 2012503 (VCV002012503.4), dbSNP rs2517981113, ClinGen allele CA411399175.